The following is an entry in ClinVar:

NM_001399.5(EDA):c.526+5G>C

Gene: EDA (ectodysplasin A; plus strand). Cytogenetic location: Xq13.1.
Variant type: single nucleotide variant.
Coding change: c.526+5G>C on transcript NM_001399.5 (MANE Select); 5 bases into the intron after coding-DNA position 526, G replaced by C.
Molecular consequence: intron variant.
Genome position (GRCh38, 1-based): chrX:70,023,246, G>C. VCF-style: chrX-70023246-G-C. GRCh37 (hg19) VCF-style: chrX-69243096-G-C.
Other names: c.526+5G>C (NM_001005609.2, NM_001005612.3).
Identifiers: ClinVar variation 645519 (VCV000645519.8), dbSNP rs397516664, ClinGen allele CA642453526.

ClinVar aggregate classification (germline): Pathogenic (1 of 4 stars; one submission).

Conditions:
Hypohidrotic X-linked ectodermal dysplasia (XHED). Also called: Ectodermal Dysplasia 1, Anhidrotic; ECTODERMAL DYSPLASIA 1, HYPOHIDROTIC, X-LINKED; ECTODERMAL DYSPLASIA 1, HYPOHIDROTIC/HAIR/TOOTH TYPE, X-LINKED; ECTODERMAL DYSPLASIA, HYPOHIDROTIC, 1; CST SYNDROME; ECTODERMAL DYSPLASIA 1. Identifiers: Orphanet 181, Orphanet 238468, MedGen C0162359, MONDO:0010585, OMIM 305100.

Allele frequency attached by ClinVar (database versions not stated): gnomAD exomes 0.00001.
gnomAD v4.1: 1 of 1,107,924 alleles (0.00009%); no homozygotes.

Submission:

Labcorp Genetics (formerly Invitae), Labcorp
Classification: Pathogenic for Hypohidrotic X-linked ectodermal dysplasia. Last evaluated: 2020-12-10. Review status: criteria provided, single submitter. Criteria: Invitae Variant Classification Sherloc (09022015). Collection method: clinical testing. Allele origin: germline.
Comment: This variant disrupts the c.526+5G nucleotide in the EDA gene. Other variant(s) that disrupt this nucleotide have been determined to be pathogenic (Invitae). This suggests that this nucleotide is clinically significant, and that variants that disrupt this position are likely to be disease-causing. For these reasons, this variant has been classified as Pathogenic. This sequence change falls in intron 3 of the EDA gene. It does not directly change the encoded amino acid sequence of the EDA protein. It affects a nucleotide within the consensus splice site of the intron. This variant is not present in population databases (ExAC no frequency). This variant has been observed in individual(s) with clinical features of hypohidrotic ectodermal dysplasia (Invitae). It has also been observed to segregate with disease in related individuals. ClinVar contains an entry for this variant (Variation ID: 645519). Nucleotide substitutions within the consensus splice site are a relatively common cause of aberrant splicing (PMID: 17576681, 9536098). Algorithms developed to predict the effect of sequence changes on RNA splicing suggest that this variant may disrupt the consensus splice site, but this prediction has not been confirmed by published transcriptional studies.

Literature cited by the submitters: PubMed 17576681; PubMed 9536098.